The following is an entry in ClinVar:

NM_080425.4(GNAS):c.159G>A (p.Pro53=)

Gene: GNAS (GNAS complex locus; plus strand). Cytogenetic location: 20q13.32.
Variant type: single nucleotide variant.
Coding change: c.159G>A on transcript NM_080425.4 (MANE Plus Clinical); coding-DNA position 159, G replaced by A.
Protein change: p.Pro53=; no amino-acid change (proline 53 retained).
Molecular consequence: synonymous variant. On other transcripts: 5 prime UTR variant (2), intron variant (3).
Genome position (GRCh38, 1-based): chr20:58,853,424, G>A. VCF-style: chr20-58853424-G-A. GRCh37 (hg19) VCF-style: chr20-57428479-G-A.
Other names: c.-29G>A (NM_001077490.3, NM_001309883.1); c.159G>A, p.Pro53= (NM_001410913.1); c.*42+12538G>A (NM_016592.5); c.43+12538G>A (NM_001410912.1); c.-39+11549G>A (NM_001309861.2).
Identifiers: ClinVar variation 4991376 (VCV004991376.1).
Genomic context (GRCh38, chr20:58,853,424, plus strand): 5'-CCCAGGGGCAGCTGCCCCCGGTGCTGGGCCTAGCCCAGCCGAAGAGATGGAGACCGAACC[G>A]CCTCACAACGAGCCCATCCCCGTCGAGAATGATGGCGAGGCCTGTGGACCCCCAGAGGTC-3'
Protein context (NP_536350.2, residues 43-63): PSPAEEMETE[Pro53=]PHNEPIPVEN

ClinVar aggregate classification (germline): Likely benign (1 of 4 stars; one submission).

Conditions:
GNAS-related disorder. Identifiers: MedGen CN380105.

gnomAD v4.1: 14 of 1,598,552 alleles (0.00088%); highest among the groups gnomAD compares: African/African-American, 0.0013%; no homozygotes.

Submission:

PreventionGenetics, part of Exact Sciences
Classification: Likely benign for GNAS-related condition. Last evaluated: 2026-08-04. Review status: criteria provided, single submitter. Criteria: ACMG Guidelines, 2015. Collection method: clinical testing. Allele origin: germline.
Comment: This variant is classified as likely benign based on ACMG/AMP sequence variant interpretation guidelines (Richards et al. 2015 PMID: 25741868, with internal and published modifications).